The following is an entry in ClinVar:

ClinVar aggregate classification (germline): Uncertain significance (1 of 4 stars; one submission).

Conditions:
Hereditary cancer-predisposing syndrome. Also called: Hereditary Cancer Syndrome; Hereditary neoplastic syndrome; Neoplastic Syndromes, Hereditary; Tumor predisposition. Identifiers: Orphanet 140162, MedGen C0027672, MeSH D009386, MONDO:0015356.

Allele frequency attached by ClinVar (database versions not stated): TOPMed below 0.00001.

Submission:

Ambry Genetics
Classification: Uncertain significance for Hereditary cancer-predisposing syndrome. Last evaluated: 2022-05-11. Review status: criteria provided, single submitter. Criteria: Ambry Variant Classification Scheme 2023. Collection method: clinical testing. Allele origin: germline.
Comment: The p.D508E variant (also known as c.1524T>G), located in coding exon 7 of the ALK gene, results from a T to G substitution at nucleotide position 1524. The aspartic acid at codon 508 is replaced by glutamic acid, an amino acid with highly similar properties. This amino acid position is conserved. In addition, this alteration is predicted to be tolerated by in silico analysis. Since supporting evidence is limited at this time, the clinical significance of this alteration remains unclear.

NM_004304.5(ALK):c.1524T>G (p.Asp508Glu)

Gene: ALK (ALK receptor tyrosine kinase; minus strand). Cytogenetic location: 2p23.2.
Variant type: single nucleotide variant.
Coding change: c.1524T>G on transcript NM_004304.5 (MANE Select); coding-DNA position 1524, T replaced by G.
Protein change: p.Asp508Glu; replaces aspartic acid 508 with glutamic acid.
Molecular consequence: missense variant.
Genome position (GRCh38, 1-based): chr2:29,320,773, A>C on the plus strand (T>G on the coding strand, the complement: ALK is on the minus strand). VCF-style: chr2-29320773-A-C. GRCh37 (hg19) VCF-style: chr2-29543639-A-C.
Other names: short protein forms D508E.
Identifiers: ClinVar variation 1774509 (VCV001774509.2), dbSNP rs1667010551, ClinGen allele CA346472257.